The following is an entry in ClinVar:

NM_001258244.2(TMEM218):c.-22del

Gene: TMEM218 (transmembrane protein 218; minus strand). Cytogenetic location: 11q24.2.
Variant type: Deletion.
Coding change: c.-22del on transcript NM_001258244.2 (MANE Select); 22 bases upstream of the start codon, one base deleted (G; older notation c.-22delG).
Molecular consequence: 5 prime UTR variant. On other transcripts: frameshift variant (5), non-coding transcript variant (6), intron variant (5).
Genome position (GRCh38, 1-based): chr11:125,102,263, C deleted on the plus strand (G on the coding strand, the reverse complement: TMEM218 is on the minus strand); the first of 6 consecutive C bases (chr11:125,102,263-125,102,268); deleting any one gives the same sequence. VCF-style (leftmost placement, unchanged base first): chr11-125102262-GC-G. GRCh37 (hg19) VCF-style: chr11-124972158-GC-G.
Other names: c.-22del (NM_001080546.3, NM_001258238.2, NM_001258239.3 and 26 more transcripts); c.84del, p.Pro29fs (NM_001387255.1, NM_001387256.1, NM_001387257.1 and 2 more transcripts); c.29+374del (NM_001387250.1, NM_001387253.1, NM_001387252.1 and 2 more transcripts); short protein forms P29fs.
Identifiers: ClinVar variation 3375597 (VCV003375597.1).

ClinVar aggregate classification (germline): Uncertain significance (1 of 4 stars; one submission).

Submission:

GeneDx
Classification: Uncertain significance. Last evaluated: 2024-05-10. Review status: criteria provided, single submitter. Criteria: GeneDx Variant Classification Process June 2021. Collection method: clinical testing. Allele origin: germline. Affected: yes.
Comment: Frameshift variant predicted to result in protein truncation or nonsense mediated decay in a gene for which loss-of-function is not an established mechanism of disease; Reported using an alternate transcript of the gene; Has not been previously published as pathogenic or benign to our knowledge